The following is an entry in ClinVar:

NM_000152.5(GAA):c.595_596inv (p.His199Cys)

Gene: GAA (alpha glucosidase; plus strand). Cytogenetic location: 17q25.3.
Variant type: Inversion.
Coding change: c.595_596inv on transcript NM_000152.5 (MANE Select).
Protein change: p.His199Cys; replaces histidine 199 with cysteine.
Molecular consequence: missense variant.
Genome position: GRCh38 VCF-style: chr17-80105797-CA-TG. GRCh37 (hg19) VCF-style: chr17-78079596-CA-TG.
Other names: c.595_596inv, p.His199Cys (NM_001079803.3, NM_001079804.3); c.595_596invCA, p.His199Cys (NM_001406741.1, NM_001406742.1); short protein forms H199C.
Identifiers: ClinVar variation 2141045 (VCV002141045.2), ClinGen allele CA2580095300.

ClinVar aggregate classification (germline): Uncertain significance (1 of 4 stars; one submission).

Conditions:
Glycogen storage disease, type II (IOPD). Also called: GLYCOGENOSIS, GENERALIZED, CARDIAC FORM; GSD II; CARDIOMEGALIA GLYCOGENICA DIFFUSA; Glycogen storage disease type 2; Acid maltase deficiency disease; Aglucosidase alfa. Identifiers: Orphanet 365, MedGen C0017921, MONDO:0009290, OMIM 232300.

Submission:

Labcorp Genetics (formerly Invitae), Labcorp
Classification: Uncertain significance for Glycogen storage disease, type II. Last evaluated: 2022-04-25. Review status: criteria provided, single submitter. Criteria: Invitae Variant Classification Sherloc (09022015). Collection method: clinical testing. Allele origin: germline.
Comment: This sequence change replaces histidine, which is basic and polar, with cysteine, which is neutral and slightly polar, at codon 199 of the GAA protein (p.His199Cys). Information on the frequency of this variant in the gnomAD database is not available, as this variant may be reported differently in the database. This variant has not been reported in the literature in individuals affected with GAA-related conditions. Algorithms developed to predict the effect of missense changes on protein structure and function are either unavailable or do not agree on the potential impact of this missense change (SIFT: "Not Available"; PolyPhen-2: "Benign"; Align-GVGD: "Not Available"). Algorithms developed to predict the effect of sequence changes on RNA splicing suggest that this variant may create or strengthen a splice site. In summary, the available evidence is currently insufficient to determine the role of this variant in disease. Therefore, it has been classified as a Variant of Uncertain Significance.